The following is an entry in ClinVar:

NM_000455.5(STK11):c.798C>T (p.Asn266=)

Gene: STK11 (serine/threonine kinase 11; plus strand). Cytogenetic location: 19p13.3.
Variant type: single nucleotide variant.
Coding change: c.798C>T on transcript NM_000455.5 (MANE Select); coding-DNA position 798, C replaced by T.
Protein change: p.Asn266=; no amino-acid change (asparagine 266 retained).
Molecular consequence: synonymous variant. On other transcripts: non-coding transcript variant (1).
Genome position (GRCh38, 1-based): chr19:1,221,276, C>T. VCF-style: chr19-1221276-C-T. GRCh37 (hg19) VCF-style: chr19-1221275-C-T.
Other names: c.798C>T, p.Asn266= (NM_001407255.1).
Identifiers: ClinVar variation 2774540 (VCV002774540.4), dbSNP rs774464182, ClinGen allele CA048981.

ClinVar aggregate classification (germline): Benign/Likely benign. Review status: criteria provided, multiple submitters, no conflicts (2 of 4 stars). 3 submissions from 3 submitters: Benign (1); Likely benign (2). Last evaluated 2025-03-27.

Conditions:
Hereditary cancer-predisposing syndrome. Also called: Hereditary Cancer Syndrome; Hereditary neoplastic syndrome; Tumor predisposition; Neoplastic Syndromes, Hereditary. Identifiers: Orphanet 140162, MedGen C0027672, MeSH D009386, MONDO:0015356.
Peutz-Jeghers syndrome (PJS). Also called: POLYPOSIS, HAMARTOMATOUS INTESTINAL; POLYPS-AND-SPOTS SYNDROME; Peutz-Jeghers polyposis; Periorificial lentiginosis syndrome. Identifiers: Orphanet 2869, MedGen C0031269, MeSH D010580, MONDO:0008280, OMIM 175200.

Allele frequency attached by ClinVar (database versions not stated): gnomAD exomes below 0.00001; ExAC 0.00001.
gnomAD v4.1: 3 of 1,612,046 alleles (0.00019%); highest among the groups gnomAD compares: Non-Finnish European, 0.00025%; no homozygotes.

Submissions (3):

Myriad Genetics, Inc.
Classification: Benign for Peutz-Jeghers syndrome. Last evaluated: 2025-03-27. Review status: criteria provided, single submitter. Criteria: Myriad Autosomal Dominant, Autosomal Recessive and X-Linked Classification Criteria (2023). Collection method: clinical testing. Allele origin: unknown.
Comment: This variant is considered benign. This variant is a silent/synonymous amino acid change and it is not expected to impact splicing.

Ambry Genetics
Classification: Likely benign for Hereditary cancer-predisposing syndrome. Last evaluated: 2024-02-28. Review status: criteria provided, single submitter. Criteria: Ambry Variant Classification Scheme 2023. Collection method: clinical testing. Allele origin: germline.

Color Diagnostics, LLC DBA Color Health
Classification: Likely benign for Hereditary cancer-predisposing syndrome. Last evaluated: 2019-12-04. Review status: criteria provided, single submitter. Criteria: ACMG Guidelines, 2015. Collection method: clinical testing. Allele origin: germline.